The following is an entry in ClinVar:

NM_000553.6(WRN):c.1151A>T (p.Lys384Ile)

Gene: WRN (WRN RecQ like helicase; plus strand). Cytogenetic location: 8p12.
Variant type: single nucleotide variant.
Coding change: c.1151A>T on transcript NM_000553.6 (MANE Select); coding-DNA position 1151, A replaced by T.
Protein change: p.Lys384Ile; replaces lysine 384 with isoleucine.
Molecular consequence: missense variant.
Genome position (GRCh38, 1-based): chr8:31,081,178, A>T. VCF-style: chr8-31081178-A-T. GRCh37 (hg19) VCF-style: chr8-30938694-A-T.
Other names: short protein forms K384I.
Identifiers: ClinVar variation 2122371 (VCV002122371.4), dbSNP rs2535911114, ClinGen allele CA370920987.

ClinVar aggregate classification (germline): Uncertain significance (1 of 4 stars; one submission).

Conditions:
Werner syndrome (WRN). Identifiers: Orphanet 902, MedGen C0043119, MONDO:0010196, OMIM 277700.

Submission:

Labcorp Genetics (formerly Invitae), Labcorp
Classification: Uncertain significance for Werner syndrome. Last evaluated: 2022-04-07. Review status: criteria provided, single submitter. Criteria: Invitae Variant Classification Sherloc (09022015). Collection method: clinical testing. Allele origin: germline.
Comment: In summary, the available evidence is currently insufficient to determine the role of this variant in disease. Therefore, it has been classified as a Variant of Uncertain Significance. Algorithms developed to predict the effect of missense changes on protein structure and function output the following: SIFT: "Not Available"; PolyPhen-2: "Benign"; Align-GVGD: "Not Available". The isoleucine amino acid residue is found in multiple mammalian species, which suggests that this missense change does not adversely affect protein function. This variant has not been reported in the literature in individuals affected with WRN-related conditions. This sequence change replaces lysine, which is basic and polar, with isoleucine, which is neutral and non-polar, at codon 384 of the WRN protein (p.Lys384Ile). This variant is not present in population databases (gnomAD no frequency).